The following is an entry in ClinVar:

ClinVar aggregate classification (germline): Pathogenic (1 of 4 stars; one submission).

Allele frequency attached by ClinVar (database versions not stated): TOPMed below 0.00001; gnomAD 0.00001; gnomAD exomes below 0.00001.

Submission:

Labcorp Genetics (formerly Invitae), Labcorp
Classification: Pathogenic. Last evaluated: 2025-11-25. Review status: criteria provided, single submitter. Criteria: Invitae Variant Classification Sherloc (09022015). Collection method: clinical testing. Allele origin: germline.
Comment: This sequence change replaces leucine, which is neutral and non-polar, with proline, which is neutral and non-polar, at codon 1154 of the MYO7A protein (p.Leu1154Pro). This variant is not present in population databases (gnomAD no frequency). This missense change has been observed in individual(s) with Usher syndrome (PMID: 25468891). In at least one individual the data is consistent with being in trans (on the opposite chromosome) from a pathogenic variant. ClinVar contains an entry for this variant (Variation ID: 2735707). Invitae Evidence Modeling of protein sequence and biophysical properties (such as structural, functional, and spatial information, amino acid conservation, physicochemical variation, residue mobility, and thermodynamic stability) indicates that this missense variant is expected to disrupt MYO7A protein function with a positive predictive value of 95%. For these reasons, this variant has been classified as Pathogenic.

Literature cited by the submitters: PubMed 25468891.

NM_000260.4(MYO7A):c.3461T>C (p.Leu1154Pro)

Gene: MYO7A (myosin VIIA; plus strand). Cytogenetic location: 11q13.5.
Variant type: single nucleotide variant.
Coding change: c.3461T>C on transcript NM_000260.4 (MANE Select); coding-DNA position 3461, T replaced by C.
Protein change: p.Leu1154Pro; replaces leucine 1154 with proline.
Molecular consequence: missense variant.
Genome position (GRCh38, 1-based): chr11:77,184,673, T>C. VCF-style: chr11-77184673-T-C. GRCh37 (hg19) VCF-style: chr11-76895718-T-C.
Other names: c.3461T>C, p.Leu1154Pro (NM_001127180.2); c.3428T>C, p.Leu1143Pro (NM_001369365.1); short protein forms L1154P, L1143P.
Identifiers: ClinVar variation 2735707 (VCV002735707.3), dbSNP rs1427848377, ClinGen allele CA381946150.
Genomic context (GRCh38, chr11:77,184,673, plus strand): 5'-AGTCCACAGTGCAGGGCAACAGCATGCTGGAGGACCGGCCCACCTCCAACCTGGAGAAGC[T>C]GCACTTCATCATCGGCAATGGCATCCTGCGGCCAGCACTCCGGTCAGTGCCGGGAGGCGG-3'
Protein context (NP_000251.3, residues 1144-1164): EDRPTSNLEK[Leu1154Pro]HFIIGNGILR